The following is an entry in ClinVar:

ClinVar aggregate classification (germline): Uncertain significance. Review status: criteria provided, multiple submitters, no conflicts (2 of 4 stars). 2 submissions from 2 submitters: Uncertain significance (2). Last evaluated 2025-05-05.

Conditions:
Hereditary cancer-predisposing syndrome. Also called: Tumor predisposition; Neoplastic Syndromes, Hereditary; Hereditary neoplastic syndrome; Hereditary Cancer Syndrome. Identifiers: Orphanet 140162, MedGen C0027672, MeSH D009386, MONDO:0015356.
Familial cancer of breast. Also called: Hereditary breast cancer; BREAST CANCER, FAMILIAL; hereditary breast carcinoma. Identifiers: Orphanet 227535, MedGen C0346153, MONDO:0016419, OMIM 114480. Disease mechanism: loss of function.

Submissions (2):

Ambry Genetics
Classification: Uncertain significance for Hereditary cancer-predisposing syndrome. Last evaluated: 2025-05-05. Review status: criteria provided, single submitter. Criteria: Ambry Variant Classification Scheme 2023. Collection method: clinical testing. Allele origin: germline.
Comment: The p.D126N variant (also known as c.376G>A), located in coding exon 4 of the BARD1 gene, results from a G to A substitution at nucleotide position 376. The aspartic acid at codon 126 is replaced by asparagine, an amino acid with highly similar properties. This amino acid position is conserved. In addition, this alteration is predicted to be tolerated by in silico analysis. Based on the available evidence, the clinical significance of this variant remains unclear.

Labcorp Genetics (formerly Invitae), Labcorp
Classification: Uncertain significance for Familial cancer of breast. Last evaluated: 2020-10-28. Review status: criteria provided, single submitter. Criteria: Invitae Variant Classification Sherloc (09022015). Collection method: clinical testing. Allele origin: germline.
Comment: In summary, the available evidence is currently insufficient to determine the role of this variant in disease. Therefore, it has been classified as a Variant of Uncertain Significance. Algorithms developed to predict the effect of missense changes on protein structure and function output the following: SIFT: "Tolerated"; PolyPhen-2: "Benign"; Align-GVGD: "Class C0". The asparagine amino acid residue is found in multiple mammalian species, suggesting that this missense change does not adversely affect protein function. These predictions have not been confirmed by published functional studies and their clinical significance is uncertain. This variant has not been reported in the literature in individuals with BARD1-related conditions. This variant is not present in population databases (ExAC no frequency). This sequence change replaces aspartic acid with asparagine at codon 126 of the BARD1 protein (p.Asp126Asn). The aspartic acid residue is moderately conserved and there is a small physicochemical difference between aspartic acid and asparagine.

NM_000465.4(BARD1):c.376G>A (p.Asp126Asn)

Gene: BARD1 (BRCA1 associated RING domain 1; minus strand). Cytogenetic location: 2q35.
Variant type: single nucleotide variant.
Coding change: c.376G>A on transcript NM_000465.4 (MANE Select); coding-DNA position 376, G replaced by A.
Protein change: p.Asp126Asn; replaces aspartic acid 126 with asparagine.
Molecular consequence: missense variant. On other transcripts: non-coding transcript variant (2), intron variant (3).
Genome position (GRCh38, 1-based): chr2:214,781,498, C>T on the plus strand (G>A on the coding strand, the complement: BARD1 is on the minus strand). VCF-style: chr2-214781498-C-T. GRCh37 (hg19) VCF-style: chr2-215646222-C-T.
Other names: c.319G>A, p.Asp107Asn (NM_001282543.2); c.158+27914G>A (NM_001282548.2); c.215+15563G>A (NM_001282545.2); c.364+10799G>A (NM_001282549.2); c.376G>A (NM_000465.2); short protein forms D107N, D126N.
Identifiers: ClinVar variation 1019092 (VCV001019092.10), dbSNP rs1695034849, ClinGen allele CA350458335.